The following is an entry in ClinVar:

NM_020458.4(TTC7A):c.1493G>C (p.Ser498Thr)

Gene: TTC7A (tetratricopeptide repeat domain 7A; plus strand). Cytogenetic location: 2p21.
Variant type: single nucleotide variant.
Coding change: c.1493G>C on transcript NM_020458.4 (MANE Select); coding-DNA position 1493, G replaced by C.
Protein change: p.Ser498Thr; replaces serine 498 with threonine.
Molecular consequence: missense variant.
Genome position (GRCh38, 1-based): chr2:47,021,962, G>C. VCF-style: chr2-47021962-G-C. GRCh37 (hg19) VCF-style: chr2-47249101-G-C.
Other names: c.1493G>C, p.Ser498Thr (NM_001288951.2); c.1391G>C, p.Ser464Thr (NM_001288953.2); c.431G>C, p.Ser144Thr (NM_001288955.2); short protein forms S464T, S144T, S498T.
Identifiers: ClinVar variation 2826150 (VCV002826150.3), dbSNP rs1679338965, ClinGen allele CA346716125.

ClinVar aggregate classification (germline): Uncertain significance (1 of 4 stars; one submission).

Conditions:
Multiple gastrointestinal atresias. Also called: Multiple intestinal atresia; FAMILIAL INTESTINAL POLYATRESIA SYNDROME. Identifiers: Orphanet 2300, MedGen C0220744, MONDO:0009465.

Allele frequency attached by ClinVar (database versions not stated): TOPMed below 0.00001.

Submission:

Labcorp Genetics (formerly Invitae), Labcorp
Classification: Uncertain significance for Multiple gastrointestinal atresias. Last evaluated: 2023-03-08. Review status: criteria provided, single submitter. Criteria: Invitae Variant Classification Sherloc (09022015). Collection method: clinical testing. Allele origin: germline.
Comment: This variant has not been reported in the literature in individuals affected with TTC7A-related conditions. In summary, the available evidence is currently insufficient to determine the role of this variant in disease. Therefore, it has been classified as a Variant of Uncertain Significance. Advanced modeling of protein sequence and biophysical properties (such as structural, functional, and spatial information, amino acid conservation, physicochemical variation, residue mobility, and thermodynamic stability) performed at Invitae indicates that this missense variant is expected to disrupt TTC7A protein function. This variant is not present in population databases (gnomAD no frequency). This sequence change replaces serine, which is neutral and polar, with threonine, which is neutral and polar, at codon 498 of the TTC7A protein (p.Ser498Thr).